The following is an entry in ClinVar:

ClinVar aggregate classification (germline): Uncertain significance (1 of 4 stars; one submission).

Conditions:
Epilepsy, progressive myoclonic, 1B. Also called: PME. Identifiers: Orphanet 308, MedGen C2676254, MONDO:0012904, OMIM 612437.

Submission:

Labcorp Genetics (formerly Invitae), Labcorp
Classification: Uncertain significance for Epilepsy, progressive myoclonic, 1B. Last evaluated: 2017-03-24. Review status: criteria provided, single submitter. Criteria: Invitae Variant Classification Sherloc (09022015). Collection method: clinical testing. Allele origin: germline.
Comment: This sequence change replaces aspartic acid with glutamic acid at codon 699 of the PRICKLE1 protein (p.Asp699Glu). The aspartic acid residue is moderately conserved and there is a small physicochemical difference between aspartic acid and glutamic acid. This variant is not present in population databases (ExAC no frequency) and has not been reported in the literature in individuals with a PRICKLE1-related disease. Algorithms developed to predict the effect of missense changes on protein structure and function output the following: SIFT: "Tolerated"; PolyPhen-2: "Benign"; Align-GVGD: "Class C0". The glutamic acid amino acid residue is found in multiple mammalian species, suggesting that this missense change does not adversely affect protein function. These predictions have not been confirmed by published functional studies. In summary, this variant is a novel missense change that is not predicted to affect protein function. There is no indication that it causes disease, but the available evidence is currently insufficient to prove that conclusively. Therefore, it has been classified as a Variant of Uncertain Significance.

NM_153026.3(PRICKLE1):c.2097C>A (p.Asp699Glu)

Gene: PRICKLE1 (prickle planar cell polarity protein 1; minus strand). Cytogenetic location: 12q12.
Variant type: single nucleotide variant.
Coding change: c.2097C>A on transcript NM_153026.3 (MANE Select); coding-DNA position 2097, C replaced by A.
Protein change: p.Asp699Glu; replaces aspartic acid 699 with glutamic acid.
Molecular consequence: missense variant.
Genome position (GRCh38, 1-based): chr12:42,460,208, G>T on the plus strand (C>A on the coding strand, the complement: PRICKLE1 is on the minus strand). VCF-style: chr12-42460208-G-T. GRCh37 (hg19) VCF-style: chr12-42854010-G-T.
Other names: c.2097C>A, p.Asp699Glu (NM_001144881.2, NM_001144882.2, NM_001144883.2); short protein forms D699E.
Identifiers: ClinVar variation 469509 (VCV000469509.8), dbSNP rs1555229289, ClinGen allele CA384440209.